The following is an entry in ClinVar:

ClinVar aggregate classification (germline): Uncertain significance (1 of 4 stars; one submission).

Conditions:
Saldino-Mainzer syndrome (SRTD9). Also called: CONORENAL SYNDROME; short-rib thoracic dysplasia 9 with or without polydactyly; Renal dysplasia, retinal pigmentary dystrophy, cerebellar ataxia and skeletal dysplasia; SHORT-RIB THORACIC DYSPLASIA 9 WITHOUT POLYDACTYLY. Identifiers: Orphanet 140969, MedGen C1849437, MONDO:0009964, OMIM 266920.

Submission:

Labcorp Genetics (formerly Invitae), Labcorp
Classification: Uncertain significance for Saldino-Mainzer syndrome. Last evaluated: 2022-10-23. Review status: criteria provided, single submitter. Criteria: Invitae Variant Classification Sherloc (09022015). Collection method: clinical testing. Allele origin: germline.
Comment: This sequence change replaces glycine, which is neutral and non-polar, with valine, which is neutral and non-polar, at codon 346 of the IFT140 protein (p.Gly346Val). This variant is not present in population databases (gnomAD no frequency). This variant has not been reported in the literature in individuals affected with IFT140-related conditions. Advanced modeling of protein sequence and biophysical properties (such as structural, functional, and spatial information, amino acid conservation, physicochemical variation, residue mobility, and thermodynamic stability) has been performed at Invitae for this missense variant, however the output from this modeling did not meet the statistical confidence thresholds required to predict the impact of this variant on IFT140 protein function. In summary, the available evidence is currently insufficient to determine the role of this variant in disease. Therefore, it has been classified as a Variant of Uncertain Significance.

NM_014714.4(IFT140):c.1037G>T (p.Gly346Val)

Genes: IFT140 (intraflagellar transport 140; minus strand), LOC105371046 (uncharacterized LOC105371046; plus strand). Cytogenetic location: 16p13.3.
Variant type: single nucleotide variant.
Coding change: c.1037G>T on transcript NM_014714.4 (MANE Select); coding-DNA position 1037, G replaced by T.
Protein change: p.Gly346Val; replaces glycine 346 with valine.
Molecular consequence: missense variant.
Genome position (GRCh38, 1-based): chr16:1,586,248, C>A on the plus strand (G>T on the coding strand, the complement: IFT140 is on the minus strand). VCF-style: chr16-1586248-C-A. GRCh37 (hg19) VCF-style: chr16-1636249-C-A.
Other names: short protein forms G346V.
Identifiers: ClinVar variation 1722098 (VCV001722098.5), dbSNP rs2507835599, ClinGen allele CA394216216.